The following is an entry in ClinVar:

ClinVar aggregate classification (germline): Likely benign (1 of 4 stars; one submission).

Submission:

CeGaT Center for Human Genetics Tuebingen
Classification: Likely benign. Last evaluated: 2024-11-01. Review status: criteria provided, single submitter. Criteria: CeGaT Center For Human Genetics Tuebingen Variant Classification Criteria Version 2. Collection method: clinical testing. Allele origin: germline. Affected: yes. Observed: 1 variant allele.
Comment: GAS1: PM2:Supporting, BP4, BP7

NM_002048.3(GAS1):c.450G>C (p.Thr150=)

Gene: GAS1 (growth arrest specific 1; minus strand). Cytogenetic location: 9q21.33.
Variant type: single nucleotide variant.
Coding change: c.450G>C on transcript NM_002048.3 (MANE Select); coding-DNA position 450, G replaced by C.
Protein change: p.Thr150=; no amino-acid change (threonine 150 retained).
Molecular consequence: synonymous variant.
Genome position (GRCh38, 1-based): chr9:86,946,330, C>G on the plus strand (G>C on the coding strand, the complement: GAS1 is on the minus strand). VCF-style: chr9-86946330-C-G. GRCh37 (hg19) VCF-style: chr9-89561245-C-G.
Identifiers: ClinVar variation 3390149 (VCV003390149.14).